The following is an entry in ClinVar:

ClinVar aggregate classification (germline): Uncertain significance (1 of 4 stars; one submission).

Submission:

GeneDx
Classification: Uncertain significance. Last evaluated: 2015-07-01. Review status: criteria provided, single submitter. Criteria: GeneDx Variant Classification (06012015). Collection method: clinical testing. Allele origin: germline. Affected: yes.
Comment: This variant is denoted BRCA1 c.4485G>C at the cDNA level, p.Arg1495Ser (R1495S) at the protein level, and results in the change of an Arginine to a Serine (AGG>AGC). Using alternate nomenclature, this variant would be defined as BRCA1 4604G>C. This variant has not, to our knowledge, been published in the literature as pathogenic or benign. BRCA1 Arg1495Ser was not observed in approximately 6,500 individuals of European and African American ancestry in the NHLBI Exome Sequencing Project, indicating it is not a common benign variant in these populations. Since Arginine and Serine differ in some properties, this is considered a semi-conservative amino acid substitution. BRCA1 Arg1495Ser occurs at a position that is not conserved and is located in the SQ/TQ cluster domain (Roy 2012). While protein-based in silico analyses are inconsistent regarding the effect this variant may have on protein structure and function, multiple splicing models predict a decrease in the strength of the nearby natural splice acceptor site and possibly lead to abnormal splicing. However, in the absence of RNA or functional studies, the actual effect of this variant is unknown. Based on currently available information, it is unclear whether BRCA1 Arg1495Ser is pathogenic or benign. We consider it to be a variant of uncertain significance.

NM_007294.4(BRCA1):c.4485G>C (p.Arg1495Ser)

Gene: BRCA1 (BRCA1 DNA repair associated; minus strand). Cytogenetic location: 17q21.31.
Variant type: single nucleotide variant.
Coding change: c.4485G>C on transcript NM_007294.4 (MANE Select); coding-DNA position 4485, G replaced by C.
Protein change: p.Arg1495Ser; replaces arginine 1495 with serine.
Molecular consequence: missense variant. On other transcripts: non-coding transcript variant (1).
Genome position (GRCh38, 1-based): chr17:43,074,521, C>G on the plus strand (G>C on the coding strand, the complement: BRCA1 is on the minus strand). VCF-style: chr17-43074521-C-G. GRCh37 (hg19) VCF-style: chr17-41226538-C-G.
Other names: c.4152G>C, p.Arg1384Ser (NM_001407946.1, NM_001407947.1, NM_001407948.1 and 1 more transcripts); c.4149G>C, p.Arg1383Ser (NM_001407950.1, NM_001407951.1, NM_001407952.1 and 3 more transcripts); c.4146G>C, p.Arg1382Ser (NM_001407956.1, NM_001407957.1, NM_001407958.1); c.4104G>C, p.Arg1368Ser (NM_001407959.1); c.4101G>C, p.Arg1367Ser (NM_001407960.1, NM_001407962.1); c.4098G>C, p.Arg1366Ser (NM_001407963.1); c.3978G>C, p.Arg1326Ser (NM_001407965.1); c.3597G>C, p.Arg1199Ser (NM_001407966.1); and 68 more; short protein forms R1495S, R1448S, R1516S, R391S, R1326S, R1428S, R1447S, R1454S.
Identifiers: ClinVar variation 419384 (VCV000419384.3), dbSNP rs1064793833, ClinGen allele CA10592558.
Genomic context (GRCh38, chr17:43,074,521, plus strand): 5'-CCCAGAGCAACTGTGCATGTACCACCTATCATCTAATGATGGGCATTTAGAAGGGGATGA[C>G]CTAGAAAGATAAATGGAAGGAGAAAACCATCGCCACCAATTGTGAAAGGACAAATCATAC-3'
Protein context (NP_009225.1, residues 1485-1505): TSKNKEPGVE[Arg1495Ser]SSPSKCPSLD